The following is an entry in ClinVar:

ClinVar aggregate classification (germline): Uncertain significance. Review status: criteria provided, multiple submitters, no conflicts (2 of 4 stars). 2 submissions from 2 submitters: Uncertain significance (2). Last evaluated 2022-07-11.

Submissions (2):

Labcorp Genetics (formerly Invitae), Labcorp
Classification: Uncertain significance. Last evaluated: 2022-07-11. Review status: criteria provided, single submitter. Criteria: Invitae Variant Classification Sherloc (09022015). Collection method: clinical testing. Allele origin: germline.
Comment: In summary, the available evidence is currently insufficient to determine the role of this variant in disease. Therefore, it has been classified as a Variant of Uncertain Significance. Algorithms developed to predict the effect of missense changes on protein structure and function are either unavailable or do not agree on the potential impact of this missense change (SIFT: "Tolerated"; PolyPhen-2: "Possibly Damaging"; Align-GVGD: "Class C0"). ClinVar contains an entry for this variant (Variation ID: 1401399). This variant has not been reported in the literature in individuals affected with SAMD9-related conditions. This variant is not present in population databases (gnomAD no frequency). This sequence change replaces asparagine, which is neutral and polar, with lysine, which is basic and polar, at codon 765 of the SAMD9 protein (p.Asn765Lys).

GeneDx
Classification: Uncertain significance. Last evaluated: 2022-04-10. Review status: criteria provided, single submitter. Criteria: GeneDx Variant Classification Process June 2021. Collection method: clinical testing. Allele origin: germline. Affected: yes.
Comment: Not observed at significant frequency in large population cohorts (gnomAD); In silico analysis supports that this missense variant does not alter protein structure/function; Has not been previously published as pathogenic or benign to our knowledge; This variant is associated with the following publications: (PMID: 28545555)

NM_017654.4(SAMD9):c.2295C>A (p.Asn765Lys)

Gene: SAMD9 (sterile alpha motif domain containing 9; minus strand). Cytogenetic location: 7q21.2.
Variant type: single nucleotide variant.
Coding change: c.2295C>A on transcript NM_017654.4 (MANE Select); coding-DNA position 2295, C replaced by A.
Protein change: p.Asn765Lys; replaces asparagine 765 with lysine.
Molecular consequence: missense variant.
Genome position (GRCh38, 1-based): chr7:93,103,803, G>T on the plus strand (C>A on the coding strand, the complement: SAMD9 is on the minus strand). VCF-style: chr7-93103803-G-T. GRCh37 (hg19) VCF-style: chr7-92733116-G-T.
Other names: c.2295C>A, p.Asn765Lys (NM_001193307.2); short protein forms N765K.
Identifiers: ClinVar variation 1401399 (VCV001401399.9), dbSNP rs2116417802, ClinGen allele CA368191631.